The following is an entry in ClinVar:

ClinVar aggregate classification (germline): Uncertain significance (1 of 4 stars; one submission).

Allele frequency attached by ClinVar (database versions not stated): gnomAD exomes below 0.00001 and 0.00001; TOPMed below 0.00001; gnomAD 0.00001; ExAC 0.00002.
gnomAD v4.1: 3 of 1,612,690 alleles (0.00019%); highest among the groups gnomAD compares: Non-Finnish European, 0.00025%; no homozygotes.

Submission:

Labcorp Genetics (formerly Invitae), Labcorp
Classification: Uncertain significance. Last evaluated: 2021-08-27. Review status: criteria provided, single submitter. Criteria: Invitae Variant Classification Sherloc (09022015). Collection method: clinical testing. Allele origin: germline.
Comment: This sequence change replaces asparagine with serine at codon 1560 of the CDH23 protein (p.Asn1560Ser). The asparagine residue is highly conserved and there is a small physicochemical difference between asparagine and serine. This variant is present in population databases (rs753657667, ExAC 0.003%). This variant has not been reported in the literature in individuals affected with CDH23-related conditions. Algorithms developed to predict the effect of missense changes on protein structure and function are either unavailable or do not agree on the potential impact of this missense change (SIFT: "Deleterious"; PolyPhen-2: "Not Available"; Align-GVGD: "Class C45"). In summary, the available evidence is currently insufficient to determine the role of this variant in disease. Therefore, it has been classified as a Variant of Uncertain Significance.

NM_022124.6(CDH23):c.4679A>G (p.Asn1560Ser)

Gene: CDH23 (cadherin related 23; plus strand). Cytogenetic location: 10q22.1.
Variant type: single nucleotide variant.
Coding change: c.4679A>G on transcript NM_022124.6 (MANE Select); coding-DNA position 4679, A replaced by G.
Protein change: p.Asn1560Ser; replaces asparagine 1560 with serine.
Molecular consequence: missense variant.
Genome position (GRCh38, 1-based): chr10:71,741,755, A>G. VCF-style: chr10-71741755-A-G. GRCh37 (hg19) VCF-style: chr10-73501512-A-G.
Other names: short protein forms N1560S.
Identifiers: ClinVar variation 1509738 (VCV001509738.5), dbSNP rs753657667, ClinGen allele CA5545126.
Genomic context (GRCh38, chr10:71,741,755, plus strand): 5'-ACGTGGGTGGAGGTACTGCTGTGGTCCAGGTGAGAGCCACTGACCGTGACATCGGGATCA[A>G]CAGTGTTCTGTCCTACTACATCACCGAGGGCAACAAGGACATGGCCTTCCGCATGGACCG-3'
Protein context (NP_071407.4, residues 1550-1570): VRATDRDIGI[Asn1560Ser]SVLSYYITEG